The following is an entry in ClinVar:

NM_001369.3(DNAH5):c.13309del (p.Asp4437fs)

Gene: DNAH5 (dynein axonemal heavy chain 5; minus strand). Cytogenetic location: 5p15.2.
Variant type: Deletion.
Coding change: c.13309del on transcript NM_001369.3 (MANE Select); coding-DNA position 13309, one base deleted (G; older notation c.13309delG).
Protein change: p.Asp4437fs; shifts the reading frame from aspartic acid 4437.
Molecular consequence: frameshift variant.
Genome position (GRCh38, 1-based): chr5:13,708,152, C deleted on the plus strand (G on the coding strand, the reverse complement: DNAH5 is on the minus strand). VCF-style (leftmost placement, unchanged base first): chr5-13708151-TC-T. GRCh37 (hg19) VCF-style: chr5-13708260-TC-T.
Other names: c.13309del (NM_001369.2); short protein forms D4437fs.
Identifiers: ClinVar variation 1074692 (VCV001074692.8), dbSNP rs1743038020, ClinGen allele CA1528403739.
Genomic context (GRCh38, chr5:13,708,151, plus strand): 5'-AACAGGCAGAATAACAGCAGGCTTATACGTACTTTTTTCCACCAAGCAGGGATTCTAGCA[TC>T]AAACATGCAATCCAATGCATCTCGCAGATTTTCGCTCATGATGATGGTGCCATCAATAGC-3'

ClinVar aggregate classification (germline): Pathogenic/Likely pathogenic. Review status: criteria provided, multiple submitters, no conflicts (2 of 4 stars). 2 submissions from 2 submitters: Pathogenic (1); Likely pathogenic (1). Last evaluated 2024-10-14.

Conditions:
Primary ciliary dyskinesia. Also called: Ciliary dyskinesia. Identifiers: Orphanet 244, MedGen C0008780, MONDO:0016575, HP:0012265.

Allele frequency attached by ClinVar (database versions not stated): gnomAD exomes below 0.00001.

Submissions (2):

Natera, Inc.
Classification: Likely pathogenic for Primary ciliary dyskinesia. Last evaluated: 2024-10-14. Review status: criteria provided, single submitter. Criteria: Natera Variant Classification Schema (03/2026). Collection method: clinical testing. Allele origin: germline.
Comment: The c.13309del variant in DNAH5 is a frameshift variant predicted to shift the reading frame beginning at codon 4437 and leads to a stop codon 26 codons downstream. This variant is expected to result in nonsense mediated decay, truncation, or a dysfunctional protein product. This variant is rare in the general population with a frequency below the threshold expected for the associated phenotype(s). Given the available evidence, this variant is classified as Likely Pathogenic.

Labcorp Genetics (formerly Invitae), Labcorp
Classification: Pathogenic for Primary ciliary dyskinesia. Last evaluated: 2023-12-20. Review status: criteria provided, single submitter. Criteria: Invitae Variant Classification Sherloc (09022015). Collection method: clinical testing. Allele origin: germline.
Comment: This sequence change creates a premature translational stop signal (p.Asp4437Metfs*26) in the DNAH5 gene. It is expected to result in an absent or disrupted protein product. Loss-of-function variants in DNAH5 are known to be pathogenic (PMID: 11788826, 16627867). This variant is not present in population databases (gnomAD no frequency). This variant has not been reported in the literature in individuals affected with DNAH5-related conditions. ClinVar contains an entry for this variant (Variation ID: 1074692). For these reasons, this variant has been classified as Pathogenic.

Literature cited by the submitters: PubMed 11788826 (cited by Labcorp Genetics (formerly Invitae), Labcorp); PubMed 16627867 (cited by Labcorp Genetics (formerly Invitae), Labcorp).